The following is an entry in ClinVar:

NM_001430.5(EPAS1):c.1357A>G (p.Ser453Gly)

Gene: EPAS1 (endothelial PAS domain protein 1; plus strand). Cytogenetic location: 2p21.
Variant type: single nucleotide variant.
Coding change: c.1357A>G on transcript NM_001430.5 (MANE Select); coding-DNA position 1357, A replaced by G.
Protein change: p.Ser453Gly; replaces serine 453 with glycine.
Molecular consequence: missense variant.
Genome position (GRCh38, 1-based): chr2:46,378,001, A>G. VCF-style: chr2-46378001-A-G. GRCh37 (hg19) VCF-style: chr2-46605140-A-G.
Other names: short protein forms S453G.
Identifiers: ClinVar variation 1770721 (VCV001770721.2), dbSNP rs2103667448, ClinGen allele CA346703914.

ClinVar aggregate classification (germline): Uncertain significance (1 of 4 stars; one submission).

Conditions:
Inborn genetic diseases. Identifiers: MedGen C0950123, MeSH D030342.

gnomAD v4.1: 4 of 1,592,274 alleles (0.00025%); highest among the groups gnomAD compares: Non-Finnish European, 0.00034%; no homozygotes.

Submission:

Ambry Genetics
Classification: Uncertain significance for Inborn genetic diseases. Last evaluated: 2021-07-13. Review status: criteria provided, single submitter. Criteria: Ambry Variant Classification Scheme 2023. Collection method: clinical testing. Allele origin: germline.
Comment: The p.S453G variant (also known as c.1357A>G), located in coding exon 10 of the EPAS1 gene, results from an A to G substitution at nucleotide position 1357. The serine at codon 453 is replaced by glycine, an amino acid with similar properties. This amino acid position is conserved. In addition, this alteration is predicted to be tolerated by in silico analysis. Since supporting evidence is limited at this time, the clinical significance of this alteration remains unclear.